The following is an entry in ClinVar:

NM_000179.3(MSH6):c.3609del (p.His1203fs)

Gene: MSH6 (mutS homolog 6; plus strand). Cytogenetic location: 2p16.3.
Variant type: Deletion.
Coding change: c.3609del on transcript NM_000179.3 (MANE Select); coding-DNA position 3609, one base deleted (T; older notation c.3609delT).
Protein change: p.His1203fs; shifts the reading frame from histidine 1203.
Molecular consequence: frameshift variant.
Genome position (GRCh38, 1-based): chr2:47,805,670, T deleted. VCF-style (leftmost placement, unchanged base first): chr2-47805669-AT-A. GRCh37 (hg19) VCF-style: chr2-48032808-AT-A.
Other names: c.3219del, p.His1073fs (NM_001281492.2); c.2703del, p.His901fs (NM_001281493.2, NM_001281494.2); short protein forms H1073fs, H1203fs, H901fs.
Identifiers: ClinVar variation 1357094 (VCV001357094.7), dbSNP rs2104524646, ClinGen allele CA2573134749.

ClinVar aggregate classification (germline): Pathogenic. Review status: criteria provided, multiple submitters, no conflicts (2 of 4 stars). 2 submissions from 2 submitters: Pathogenic (2). Last evaluated 2023-08-24.

Conditions:
Lynch syndrome 5 (LYNCH5). Also called: Colorectal cancer, hereditary nonpolyposis, type 5; Hereditary non-polyposis colorectal cancer, type 5. Identifiers: Orphanet 144, MedGen C1833477, MONDO:0013710, OMIM 614350. Disease mechanism: loss of function.
Hereditary nonpolyposis colorectal neoplasms. Identifiers: MedGen C0009405, MeSH D003123.

Submissions (2):

Myriad Genetics, Inc.
Classification: Pathogenic for Lynch syndrome 5. Last evaluated: 2023-08-24. Review status: criteria provided, single submitter. Criteria: Myriad Autosomal Dominant, Autosomal Recessive and X-Linked Classification Criteria (2023). Collection method: clinical testing. Allele origin: unknown.
Comment: This variant is considered pathogenic. This variant creates a frameshift predicted to result in premature protein truncation.

Labcorp Genetics (formerly Invitae), Labcorp
Classification: Pathogenic for Hereditary nonpolyposis colorectal neoplasms. Last evaluated: 2021-08-09. Review status: criteria provided, single submitter. Criteria: Invitae Variant Classification Sherloc (09022015). Collection method: clinical testing. Allele origin: germline.
Comment: For these reasons, this variant has been classified as Pathogenic. Algorithms developed to predict the effect of sequence changes on RNA splicing suggest that this variant may create or strengthen a splice site. This variant has not been reported in the literature in individuals affected with MSH6-related conditions. This variant is not present in population databases (ExAC no frequency). This sequence change creates a premature translational stop signal (p.His1203Glnfs*13) in the MSH6 gene. It is expected to result in an absent or disrupted protein product. Loss-of-function variants in MSH6 are known to be pathogenic (PMID: 18269114, 24362816).

Literature cited by the submitters: PubMed 18269114 (cited by Labcorp Genetics (formerly Invitae), Labcorp); PubMed 24362816 (cited by Labcorp Genetics (formerly Invitae), Labcorp).